The following is an entry in ClinVar:

ClinVar aggregate classification (germline): Uncertain significance. Review status: criteria provided, multiple submitters, no conflicts (2 of 4 stars). 3 submissions from 3 submitters: Uncertain significance (3). Last evaluated 2023-05-18.

Conditions:
Inborn genetic diseases. Identifiers: MedGen C0950123, MeSH D030342.

Allele frequency attached by ClinVar (database versions not stated): gnomAD exomes below 0.00001; TOPMed below 0.00001.
gnomAD v4.1: 2 of 1,614,170 alleles (0.00012%); highest among the groups gnomAD compares: Non-Finnish European, 0.00017%; no homozygotes.

Submissions (3):

GeneDx
Classification: Uncertain significance. Last evaluated: 2023-05-18. Review status: criteria provided, single submitter. Criteria: GeneDx Variant Classification Process June 2021. Collection method: clinical testing. Allele origin: germline. Affected: yes.
Comment: Not observed at significant frequency in large population cohorts (gnomAD); In silico analysis supports that this missense variant does not alter protein structure/function; Has not been previously published as pathogenic or benign to our knowledge

Labcorp Genetics (formerly Invitae), Labcorp
Classification: Uncertain significance. Last evaluated: 2023-05-09. Review status: criteria provided, single submitter. Criteria: Invitae Variant Classification Sherloc (09022015). Collection method: clinical testing. Allele origin: germline.
Comment: An algorithm developed to predict the effect of missense changes on protein structure and function (PolyPhen-2) suggests that this variant is likely to be tolerated. In summary, the available evidence is currently insufficient to determine the role of this variant in disease. Therefore, it has been classified as a Variant of Uncertain Significance. ClinVar contains an entry for this variant (Variation ID: 2286313). This variant has not been reported in the literature in individuals affected with TFAP2A-related conditions. This variant is not present in population databases (gnomAD no frequency). This sequence change replaces serine, which is neutral and polar, with asparagine, which is neutral and polar, at codon 187 of the TFAP2A protein (p.Ser187Asn).

Ambry Genetics
Classification: Uncertain significance for Inborn genetic diseases. Last evaluated: 2022-04-27. Review status: criteria provided, single submitter. Criteria: Ambry Variant Classification Scheme 2023. Collection method: clinical testing. Allele origin: germline.

NM_001372066.1(TFAP2A):c.566G>A (p.Ser189Asn)

Genes: TFAP2A (transcription factor AP-2 alpha; minus strand), TFAP2A-AS2 (TFAP2A antisense RNA 2; plus strand), LOC121740638 (BRD4-independent group 4 enhancer GRCh37_chr6:10403277-10404476; plus strand). Cytogenetic location: 6p24.3.
Variant type: single nucleotide variant.
Coding change: c.566G>A on transcript NM_001372066.1 (MANE Select); coding-DNA position 566, G replaced by A.
Protein change: p.Ser189Asn; replaces serine 189 with asparagine.
Molecular consequence: missense variant. On other transcripts: non-coding transcript variant (1).
Genome position (GRCh38, 1-based): chr6:10,404,712, C>T on the plus strand (G>A on the coding strand, the complement: TFAP2A is on the minus strand). VCF-style: chr6-10404712-C-T. GRCh37 (hg19) VCF-style: chr6-10404945-C-T.
Other names: NM_003220.2:c.560G>A; c.542G>A, p.Ser181Asn (NM_001032280.3); c.548G>A, p.Ser183Asn (NM_001042425.3); short protein forms S181N, S183N, S189N.
Identifiers: ClinVar variation 2286313 (VCV002286313.6), dbSNP rs1167211530, ClinGen allele CA362701875.